The following is an entry in ClinVar:

ClinVar aggregate classification (germline): Uncertain significance (1 of 4 stars; one submission).

Conditions:
Adult-onset proximal spinal muscular atrophy, autosomal dominant. Also called: FINKEL LATE-ADULT TYPE SMA; Spinal muscular atrophy, late-onset, finkel type. Identifiers: Orphanet 209335, MedGen C1854058, MONDO:0008453, OMIM 182980.
Amyotrophic lateral sclerosis type 8 (ALS8). Identifiers: Orphanet 803, MedGen C1837728, MONDO:0012077, OMIM 608627.

Allele frequency attached by ClinVar (database versions not stated): gnomAD exomes below 0.00001.
gnomAD v4.1: 3 of 1,592,778 alleles (0.00019%); highest among the groups gnomAD compares: South Asian, 0.0011%; no homozygotes.

Submission:

Labcorp Genetics (formerly Invitae), Labcorp
Classification: Uncertain significance for Adult-onset proximal spinal muscular atrophy, autosomal dominant; Amyotrophic lateral sclerosis type 8. Last evaluated: 2021-12-20. Review status: criteria provided, single submitter. Criteria: Invitae Variant Classification Sherloc (09022015). Collection method: clinical testing. Allele origin: germline.
Comment: This variant has not been reported in the literature in individuals affected with VAPB-related conditions. This sequence change replaces asparagine, which is neutral and polar, with serine, which is neutral and polar, at codon 81 of the VAPB protein (p.Asn81Ser). This variant is not present in population databases (gnomAD no frequency). Algorithms developed to predict the effect of missense changes on protein structure and function are either unavailable or do not agree on the potential impact of this missense change (SIFT: "Not Available"; PolyPhen-2: "Benign"; Align-GVGD: "Not Available"). Algorithms developed to predict the effect of sequence changes on RNA splicing suggest that this variant may create or strengthen a splice site. In summary, the available evidence is currently insufficient to determine the role of this variant in disease. Therefore, it has been classified as a Variant of Uncertain Significance.

NM_004738.5(VAPB):c.242A>G (p.Asn81Ser)

Gene: VAPB (VAMP associated protein B and C; plus strand). Cytogenetic location: 20q13.32.
Variant type: single nucleotide variant.
Coding change: c.242A>G on transcript NM_004738.5 (MANE Select); coding-DNA position 242, A replaced by G.
Protein change: p.Asn81Ser; replaces asparagine 81 with serine.
Molecular consequence: missense variant. On other transcripts: intron variant (1).
Genome position (GRCh38, 1-based): chr20:58,434,632, A>G. VCF-style: chr20-58434632-A-G. GRCh37 (hg19) VCF-style: chr20-57009688-A-G.
Other names: c.212-9445A>G (NM_001195677.2); short protein forms N81S.
Identifiers: ClinVar variation 2152649 (VCV002152649.4), dbSNP rs2516055646, ClinGen allele CA409439107.